The following is an entry in ClinVar:

NM_000284.4(PDHA1):c.982_985dup (p.Leu329fs)

Gene: PDHA1 (pyruvate dehydrogenase E1 subunit alpha 1; plus strand). Cytogenetic location: Xp22.12.
Variant type: Duplication.
Coding change: c.982_985dup on transcript NM_000284.4 (MANE Select); coding-DNA positions 982 to 985, 4 bases duplicated (AATC; older notation c.982_985dupAATC).
Protein change: p.Leu329fs; shifts the reading frame from leucine 329.
Molecular consequence: frameshift variant.
Genome position (GRCh38, 1-based): chrX:19,358,998-19,359,001, AATC duplicated; duplicating any 4 consecutive bases within chrX:19,358,997-19,359,001 gives the same sequence; the c. name uses the placement nearest the transcript's 3' end. VCF-style (leftmost placement, unchanged base first): chrX-19358996-G-GCAAT. GRCh37 (hg19) VCF-style: chrX-19377114-G-GCAAT.
Other names: c.1096_1099dup, p.Leu367fs (NM_001173454.2); c.1003_1006dup, p.Leu336fs (NM_001173455.2); c.889_892dup, p.Leu298fs (NM_001173456.2); short protein forms L298fs, L329fs, L336fs, L367fs.
Identifiers: ClinVar variation 4070419 (VCV004070419.1).
Genomic context (GRCh38, chrX:19,358,996, plus strand): 5'-TTCAGGAAGTAAGAAGTAAGAGTGACCCTATTATGCTTCTCAAGGACAGGATGGTGAACA[G>GCAAT]CAATCTTGCCAGTGTGGAAGAACTAAAGGTACAGTCACTTGTTCATGGTGGTTTGAAGGT-3'

ClinVar aggregate classification (germline): Pathogenic (0 of 4 stars; one submission).

Conditions:
Pyruvate dehydrogenase E1-alpha deficiency (PDHAD). Also called: ATAXIA, INTERMITTENT, WITH PYRUVATE DEHYDROGENASE DEFICIENCY; ATAXIA WITH LACTIC ACIDOSIS I; ATAXIA, INTERMITTENT, WITH ABNORMAL PYRUVATE METABOLISM; Ataxia, intermittent, with pyruvate dehydrogenase, or decarboxylase, deficiency. Identifiers: Orphanet 79243, MedGen C1839413, MONDO:0010717, OMIM 312170.

Submission:

PDHA1 Study Group, University Children’s Hospital, Paracelsus Medical University
Classification: Pathogenic for Pyruvate dehydrogenase E1-alpha deficiency. Last evaluated: 2024-10-15. Review status: no assertion criteria provided. Collection method: research. Allele origin: germline. Affected: yes. Observed: 1 variant allele.
Comment: The NM_000284.3:c.982_985dup (p.Leu329GlnfsTer12) change is a frameshift variant in PDHA1 gene. This variant is predicted to escape nonsense-mediated decay (NMD). The variant has been reported in 1 published case (PMIDs: 28918066). Last literature search: July 12, 2024. This variant is absent or extremely rare in population-based cohorts in the Genome Aggregation Database (gnomAD). Individuals harboring this variant presented with clinical features compatible with PDHA1-related PDHc deficiency. In summary, this variant meets criteria to be classified as pathogenic (P) for PDHA1-related PDHc deficiency based on the ACMG/AMP criteria applied: PVS1, PS3, PM2, PM7 (last assessment October 15, 2024).

Literature cited by the submitters: PubMed 28918066; DOI 10.1093/brain/awaf430.